The following is an entry in ClinVar:

Single allele

Gene: BRAT1 (BRCA1 associated ATM activator 1; minus strand). Cytogenetic location: 7p22.3.
Variant type: Duplication.
Identifiers: ClinVar variation 4682154 (VCV004682154.1).

ClinVar aggregate classification (germline): Uncertain significance (1 of 4 stars; one submission).

Submission:

Athena Diagnostics
Classification: Uncertain significance. Last evaluated: 2025-03-03. Review status: criteria provided, single submitter. Criteria: Athena Diagnostics Criteria. Collection method: clinical testing. Allele origin: unknown.
Comment: Available data are insufficient to determine the clinical significance of the variant at this time. Similar duplications of exons 2-4 have not been reported in large, multi-ethnic general populations.